The following is an entry in ClinVar:

NM_138694.4(PKHD1):c.977G>T (p.Gly326Val)

Gene: PKHD1 (PKHD1 ciliary IPT domain containing fibrocystin/polyductin; minus strand). Cytogenetic location: 6p12.2.
Variant type: single nucleotide variant.
Coding change: c.977G>T on transcript NM_138694.4 (MANE Select); coding-DNA position 977, G replaced by T.
Protein change: p.Gly326Val; replaces glycine 326 with valine.
Molecular consequence: missense variant.
Genome position (GRCh38, 1-based): chr6:52,062,660, C>A on the plus strand (G>T on the coding strand, the complement: PKHD1 is on the minus strand). VCF-style: chr6-52062660-C-A. GRCh37 (hg19) VCF-style: chr6-51927458-C-A.
Other names: c.977G>T, p.Gly326Val (NM_170724.3); short protein forms G326V.
Identifiers: ClinVar variation 458610 (VCV000458610.17), dbSNP rs778329699, ClinGen allele CA138918438.
Genomic context (GRCh38, chr6:52,062,660, plus strand): 5'-GCTTCAGTCAGTTCCAGTCCCTCAACAGCATCTCCAACTTCAAAAAGAAGCCCTCGATTG[C>A]CTGTAAGACATGTAGATCGCATAAACATTACAGGGCGCACCTTCCCAAATTGGGGAATTA-3'
Protein context (NP_619639.3, residues 316-336): KDVRLTTPQP[Gly326Val]NRGLLFEVGD

ClinVar aggregate classification (germline): Conflicting classifications of pathogenicity. Review status: criteria provided, conflicting classifications (1 of 4 stars). 6 submissions from 6 submitters: Pathogenic (2); Likely pathogenic (1); Uncertain significance (2). 1 of the submissions does not count toward it. Last evaluated 2026-05-25.

Conditions:
PKHD1-related disorder. Also called: PKHD1-related condition.
Polycystic kidney disease 4 (PKD4). Also called: PKD3; Autosomal Recessive Polycystic Kidney Disease – PKHD1; POLYCYSTIC KIDNEY AND HEPATIC DISEASE 1; POLYCYSTIC KIDNEY DISEASE, INFANTILE, TYPE I; POLYCYSTIC KIDNEY DISEASE 4 WITH OR WITHOUT POLYCYSTIC LIVER DISEASE. Identifiers: MedGen C4540575, MONDO:0033004, OMIM 263200.
Autosomal recessive polycystic kidney disease (ARPKD). Also called: AR polycystic kidney disease. Identifiers: Orphanet 731, Orphanet 8378, MedGen C0085548, MeSH D017044, MONDO:0009889.

Allele frequency attached by ClinVar (database versions not stated): gnomAD exomes below 0.00001 and 0.00003; gnomAD 0.00001; TOPMed 0.00001.
gnomAD v4.1: 43 of 1,613,942 alleles (0.0027%); highest among the groups gnomAD compares: Non-Finnish European, 0.0036%; no homozygotes.

Submissions (6):

PreventionGenetics, part of Exact Sciences
Classification: Pathogenic for PKHD1-related condition. Last evaluated: 2026-05-25. Review status: criteria provided, single submitter. Criteria: ACMG Guidelines, 2015. Collection method: clinical testing. Allele origin: germline.
Comment: The PKHD1 c.977G>T variant is predicted to result in the amino acid substitution p.Gly326Val. This variant has been reported with another causative or plausibly (suspected) causative variant in individuals with autosomal recessive polycystic kidney disease (ARPKD) (Furu et al. 2003. PubMed ID: 12874454; Sharp et al. 2005. PubMed ID: 15805161: PreventionGenetics, internal data, including a compound heterozygote). Located at the first base of exon 14, this change is predicted to weaken the nearby splice acceptor site signal based on available splicing prediction programs (Alamut Visual Plus v13.1; SpliceAI, Jaganathan et al. 2019. PubMed ID: 30661751). This variant is reported in 0.00088% of alleles in individuals of European (Non-Finnish) descent in gnomAD. This variant is interpreted as pathogenic.

GeneDx
Classification: Uncertain significance. Last evaluated: 2025-10-27. Review status: criteria provided, single submitter. Criteria: GeneDx Variant Classification Process June 2021. Collection method: clinical testing. Allele origin: germline. Affected: yes.
Comment: Not observed at significant frequency in large population cohorts (gnomAD); In silico analysis supports that this missense variant has a deleterious effect on protein structure/function; In silico analysis is inconclusive as to whether the variant alters gene splicing. In the absence of RNA/functional studies, the actual effect of this sequence change is unknown.; This variant is associated with the following publications: (PMID: 12874454, 15805161)

Labcorp Genetics (formerly Invitae), Labcorp
Classification: Pathogenic for Autosomal recessive polycystic kidney disease. Last evaluated: 2025-08-08. Review status: criteria provided, single submitter. Criteria: Invitae Variant Classification Sherloc (09022015). Collection method: clinical testing. Allele origin: germline.
Comment: This sequence change replaces glycine, which is neutral and non-polar, with valine, which is neutral and non-polar, at codon 326 of the PKHD1 protein (p.Gly326Val). This variant is present in population databases (rs778329699, gnomAD 0.0009%). This missense change has been observed in individual(s) with autosomal recessive polycystic kidney disease (PMID: 15805161; internal data). In at least one individual the data is consistent with being in trans (on the opposite chromosome) from a pathogenic variant. ClinVar contains an entry for this variant (Variation ID: 458610). An algorithm developed to predict the effect of missense changes on protein structure and function (PolyPhen-2) suggests that this variant is likely to be disruptive. Algorithms developed to predict the effect of sequence changes on RNA splicing suggest that this variant may disrupt the consensus splice site. For these reasons, this variant has been classified as Pathogenic.

Women's Health and Genetics/Laboratory Corporation of America, LabCorp
Classification: Likely pathogenic for Autosomal recessive polycystic kidney disease. Last evaluated: 2025-04-22. Review status: criteria provided, single submitter. Criteria: LabCorp Variant Classification Summary - May 2015. Collection method: clinical testing. Allele origin: germline.
Comment: Variant summary: PKHD1 c.977G>T (p.Gly326Val) results in a non-conservative amino acid change located in the IPT domain (IPR002909) of the encoded protein sequence. Five of five in-silico tools predict a damaging effect of the variant on protein function. Several computational tools predict a significant impact on normal splicing: One predict the variant abolishes the canonical 3' splicing acceptor site. Three predict the variant weakens the canonical 3' splicing acceptor site. However, these predictions have yet to be confirmed by functional studies. The variant allele was found at a frequency of 4e-06 in 251538 control chromosomes. c.977G>T has been observed as a biallelic genotype in individual(s) affected with autosomal recessive Polycystic Kidney And Hepatic Disease (example, Furu_2003 cited in Sharp_2005, internal data). These data indicate that the variant is likely to be associated with disease. To our knowledge, no experimental evidence demonstrating an impact on protein function has been reported. The following publications have been ascertained in the context of this evaluation (PMID: 15108277, 12874454, 14741187, 15805161). ClinVar contains an entry for this variant (Variation ID: 458610). Based on the evidence outlined above, the variant was classified as likely pathogenic.

Fulgent Genetics
Classification: Uncertain significance for Polycystic kidney disease 4. Last evaluated: 2022-02-24. Review status: criteria provided, single submitter. Criteria: ACMG Guidelines, 2015. Collection method: clinical testing. Allele origin: unknown.

Natera, Inc.
Classification: Uncertain significance for Autosomal recessive polycystic kidney disease. Last evaluated: 2020-09-16. Review status: no assertion criteria provided. Collection method: clinical testing. Allele origin: germline. Not counted in ClinVar's aggregate classification.

Literature cited by the submitters: PubMed 15805161 (cited by Labcorp Genetics (formerly Invitae), Labcorp and Women's Health and Genetics/Laboratory Corporation of America, LabCorp); PubMed 12874454 (cited by Women's Health and Genetics/Laboratory Corporation of America, LabCorp); PubMed 15108277 (cited by Women's Health and Genetics/Laboratory Corporation of America, LabCorp); PubMed 14741187 (cited by Women's Health and Genetics/Laboratory Corporation of America, LabCorp).